The following is an entry in ClinVar:

ClinVar aggregate classification (germline): Uncertain significance (1 of 4 stars; one submission).

Conditions:
Inborn genetic diseases. Identifiers: MedGen C0950123, MeSH D030342.

gnomAD v4.1: 1 of 1,614,172 alleles (0.000062%); highest among the groups gnomAD compares: Non-Finnish European, 0.000085%; no homozygotes.

Submission:

Ambry Genetics
Classification: Uncertain significance for Inborn genetic diseases. Last evaluated: 2026-04-28. Review status: criteria provided, single submitter. Criteria: Ambry Variant Classification Scheme 2023. Collection method: clinical testing. Allele origin: germline.
Comment: The p.H247P variant (also known as c.740A>C), located in coding exon 7 of the USB1 gene, results from an A to C substitution at nucleotide position 740. The histidine at codon 247 is replaced by proline, an amino acid with similar properties. This amino acid position is conserved. In addition, this alteration is predicted to be tolerated by in silico analysis. Based on the available evidence, the clinical significance of this variant remains unclear.

NM_024598.4(USB1):c.740A>C (p.His247Pro)

Gene: USB1 (U6 snRNA biogenesis phosphodiesterase 1; plus strand). Cytogenetic location: 16q21.
Variant type: single nucleotide variant.
Coding change: c.740A>C on transcript NM_024598.4 (MANE Select); coding-DNA position 740, A replaced by C.
Protein change: p.His247Pro; replaces histidine 247 with proline.
Molecular consequence: missense variant.
Genome position (GRCh38, 1-based): chr16:58,020,187, A>C. VCF-style: chr16-58020187-A-C. GRCh37 (hg19) VCF-style: chr16-58054091-A-C.
Other names: c.686A>C, p.His229Pro (NM_001195302.2); c.587A>C, p.His196Pro (NM_001330568.2); short protein forms H196P, H229P, H247P.
Identifiers: ClinVar variation 4866357 (VCV004866357.1).